The following is an entry in ClinVar:

ClinVar aggregate classification (germline): Conflicting classifications of pathogenicity. Review status: criteria provided, conflicting classifications (1 of 4 stars). 2 submissions from 2 submitters: Uncertain significance (1); Likely benign (1). Last evaluated 2023-03-23.

Conditions:
Hereditary cancer-predisposing syndrome. Also called: Tumor predisposition; Hereditary Cancer Syndrome; Neoplastic Syndromes, Hereditary; Hereditary neoplastic syndrome. Identifiers: Orphanet 140162, MedGen C0027672, MeSH D009386, MONDO:0015356.

Allele frequency attached by ClinVar (database versions not stated): gnomAD exomes below 0.00001.
gnomAD v4.1: 1 of 1,614,112 alleles (0.000062%); highest among the groups gnomAD compares: South Asian, 0.0011%; no homozygotes.

Submissions (2):

University of Washington Department of Laboratory Medicine, University of Washington
Classification: Likely benign for Hereditary cancer-predisposing syndrome. Last evaluated: 2023-03-23. Review status: criteria provided, single submitter. Criteria: Dines et al. (Genet Med. 2020). Collection method: curation. Allele origin: germline.
Comment: Missense variant in a coldspot region where missense variants are very unlikely to be pathogenic (PMID:31911673).

BRCA1 coldspot (exon 11 using historical exon numbering). Reclassification based on statistical prior probability

Ambry Genetics
Classification: Uncertain significance for Hereditary cancer-predisposing syndrome. Last evaluated: 2018-12-11. Review status: criteria provided, single submitter. Criteria: Ambry Variant Classification Scheme 2023. Collection method: clinical testing. Allele origin: germline.
Comment: The p.R959G variant (also known as c.2875A>G), located in coding exon 9 of the BRCA1 gene, results from an A to G substitution at nucleotide position 2875. The arginine at codon 959 is replaced by glycine, an amino acid with dissimilar properties. This amino acid position is not well conserved in available vertebrate species. In addition, the in silico prediction for this alteration is inconclusive. Since supporting evidence is limited at this time, the clinical significance of this alteration remains unclear.

NM_007294.4(BRCA1):c.2875A>G (p.Arg959Gly)

Gene: BRCA1 (BRCA1 DNA repair associated; minus strand). Cytogenetic location: 17q21.31.
Variant type: single nucleotide variant.
Coding change: c.2875A>G on transcript NM_007294.4 (MANE Select); coding-DNA position 2875, A replaced by G.
Protein change: p.Arg959Gly; replaces arginine 959 with glycine.
Molecular consequence: missense variant. On other transcripts: intron variant (137).
Genome position (GRCh38, 1-based): chr17:43,092,656, T>C on the plus strand (A>G on the coding strand, the complement: BRCA1 is on the minus strand). VCF-style: chr17-43092656-T-C. GRCh37 (hg19) VCF-style: chr17-41244673-T-C.
Other names: c.2875A>G, p.Arg959Gly (NM_001407622.1, NM_001407623.1, NM_001407624.1 and 30 more transcripts); c.2542A>G, p.Arg848Gly (NM_001407949.1, NM_001407950.1, NM_001407951.1 and 6 more transcripts); c.2872A>G, p.Arg958Gly (NM_001407630.1, NM_001407627.1, NM_001407628.1 and 22 more transcripts); c.2539A>G, p.Arg847Gly (NM_001407958.1, NM_001407954.1, NM_001407955.1 and 1 more transcripts); c.2662A>G, p.Arg888Gly (NM_001407571.1, NM_001407853.1, NM_001407894.1 and 9 more transcripts); c.2611A>G, p.Arg871Gly (NM_001407929.1, NM_001407933.1, NM_001407935.1 and 9 more transcripts); c.2608A>G, p.Arg870Gly (NM_001407930.1, NM_001407931.1, NM_001407932.1 and 2 more transcripts); c.2752A>G, p.Arg918Gly (NM_001407937.1, NM_001407938.1, NM_001407939.1 and 19 more transcripts); and 41 more; short protein forms R959G, R912G, R847G, R889G, R933G, R791G, R870G, R871G.
Identifiers: ClinVar variation 821939 (VCV000821939.7), dbSNP rs1401324575, ClinGen allele CA10596237.